The following is an entry in ClinVar:

NM_004655.4(AXIN2):c.1574C>G (p.Pro525Arg)

Gene: AXIN2 (axin 2; minus strand). Cytogenetic location: 17q24.1.
Variant type: single nucleotide variant.
Coding change: c.1574C>G on transcript NM_004655.4 (MANE Select); coding-DNA position 1574, C replaced by G.
Protein change: p.Pro525Arg; replaces proline 525 with arginine.
Molecular consequence: missense variant.
Genome position (GRCh38, 1-based): chr17:65,537,462, G>C on the plus strand (C>G on the coding strand, the complement: AXIN2 is on the minus strand). VCF-style: chr17-65537462-G-C. GRCh37 (hg19) VCF-style: chr17-63533580-G-C.
Other names: c.1574C>G (LRG_296t1); c.1574C>G, p.Pro525Arg (NM_001363813.1); short protein forms P525R.
Identifiers: ClinVar variation 572969 (VCV000572969.12), dbSNP rs749576519, ClinGen allele CA8718613.

ClinVar aggregate classification (germline): Uncertain significance. Review status: criteria provided, multiple submitters, no conflicts (2 of 4 stars). 2 submissions from 2 submitters: Uncertain significance (2). Last evaluated 2026-01-05.

Conditions:
Hereditary cancer-predisposing syndrome. Also called: Neoplastic Syndromes, Hereditary; Hereditary Cancer Syndrome; Tumor predisposition; Hereditary neoplastic syndrome. Identifiers: Orphanet 140162, MedGen C0027672, MeSH D009386, MONDO:0015356.
Oligodontia-cancer predisposition syndrome. Also called: TOOTH AGENESIS-COLORECTAL CANCER SYNDROME. Identifiers: Orphanet 300576, MedGen C1837750, MONDO:0012075, OMIM 608615. Disease mechanism: loss of function.

gnomAD v4.1: 3 of 1,613,928 alleles (0.00019%); highest among the groups gnomAD compares: Non-Finnish European, 0.00025%; no homozygotes.

Submissions (2):

Labcorp Genetics (formerly Invitae), Labcorp
Classification: Uncertain significance for Oligodontia-cancer predisposition syndrome. Last evaluated: 2026-01-05. Review status: criteria provided, single submitter. Criteria: Invitae Variant Classification Sherloc (09022015). Collection method: clinical testing. Allele origin: germline.
Comment: This sequence change replaces proline, which is neutral and non-polar, with arginine, which is basic and polar, at codon 525 of the AXIN2 protein (p.Pro525Arg). This variant is present in population databases (rs749576519, gnomAD 0.002%). This variant has not been reported in the literature in individuals affected with AXIN2-related conditions. ClinVar contains an entry for this variant (Variation ID: 572969). Invitae Evidence Modeling of protein sequence and biophysical properties (such as structural, functional, and spatial information, amino acid conservation, physicochemical variation, residue mobility, and thermodynamic stability) indicates that this missense variant is not expected to disrupt AXIN2 protein function with a negative predictive value of 80%. In summary, the available evidence is currently insufficient to determine the role of this variant in disease. Therefore, it has been classified as a Variant of Uncertain Significance.

Ambry Genetics
Classification: Uncertain significance for Hereditary cancer-predisposing syndrome. Last evaluated: 2024-09-27. Review status: criteria provided, single submitter. Criteria: Ambry Variant Classification Scheme 2023. Collection method: clinical testing. Allele origin: germline.
Comment: The p.P525R variant (also known as c.1574C>G), located in coding exon 5 of the AXIN2 gene, results from a C to G substitution at nucleotide position 1574. The proline at codon 525 is replaced by arginine, an amino acid with dissimilar properties. This amino acid position is conserved. In addition, this alteration is predicted to be tolerated by in silico analysis. Since supporting evidence is limited at this time, the clinical significance of this alteration remains unclear.